The following is an entry in ClinVar:

ClinVar aggregate classification (germline): Uncertain significance (1 of 4 stars; one submission).

Conditions:
Primary ciliary dyskinesia. Also called: Ciliary dyskinesia. Identifiers: Orphanet 244, MedGen C0008780, MONDO:0016575, HP:0012265.

Allele frequency attached by ClinVar (database versions not stated): ExAC 0.00002.
gnomAD v4.1: 85 of 1,613,984 alleles (0.0053%); highest among the groups gnomAD compares: Middle Eastern, 0.016%; no homozygotes.

Submission:

Ambry Genetics
Classification: Uncertain significance for Primary ciliary dyskinesia. Last evaluated: 2026-07-31. Review status: criteria provided, single submitter. Criteria: Ambry Variant Classification Scheme 2023. Collection method: clinical testing. Allele origin: germline.
Comment: The p.Y2917C variant (also known as c.8750A>G), located in coding exon 52 of the DNAH5 gene, results from an A to G substitution at nucleotide position 8750. The tyrosine at codon 2917 is replaced by cysteine, an amino acid with highly dissimilar properties. This amino acid position is conserved. In addition, the in silico prediction for this alteration is inconclusive. Based on the available evidence, the clinical significance of this variant remains unclear.

NM_001369.3(DNAH5):c.8750A>G (p.Tyr2917Cys)

Gene: DNAH5 (dynein axonemal heavy chain 5; minus strand). Cytogenetic location: 5p15.2.
Variant type: single nucleotide variant.
Coding change: c.8750A>G on transcript NM_001369.3 (MANE Select); coding-DNA position 8750, A replaced by G.
Protein change: p.Tyr2917Cys; replaces tyrosine 2917 with cysteine.
Molecular consequence: missense variant.
Genome position (GRCh38, 1-based): chr5:13,786,249, T>C on the plus strand (A>G on the coding strand, the complement: DNAH5 is on the minus strand). VCF-style: chr5-13786249-T-C. GRCh37 (hg19) VCF-style: chr5-13786358-T-C.
Other names: short protein forms Y2917C.
Identifiers: ClinVar variation 3083998 (VCV003083998.2), dbSNP rs768141871, ClinGen allele CA3202750.